The following is an entry in ClinVar:

NM_153252.5(BRWD3):c.3838G>A (p.Gly1280Ser)

Gene: BRWD3 (bromodomain and WD repeat domain containing 3; minus strand). Cytogenetic location: Xq21.1.
Variant type: single nucleotide variant.
Coding change: c.3838G>A on transcript NM_153252.5 (MANE Select); coding-DNA position 3838, G replaced by A.
Protein change: p.Gly1280Ser; replaces glycine 1280 with serine.
Molecular consequence: missense variant.
Genome position (GRCh38, 1-based): chrX:80,688,095, C>T on the plus strand (G>A on the coding strand, the complement: BRWD3 is on the minus strand). VCF-style: chrX-80688095-C-T. GRCh37 (hg19) VCF-style: chrX-79943594-C-T.
Other names: short protein forms G1280S.
Identifiers: ClinVar variation 3615412 (VCV003615412.2).
Genomic context (GRCh38, chrX:80,688,095, plus strand): 5'-ACATATCTCCTCAGCAGTTCACTTATTTACTCACCTTTCTTCCAGATGAAGTACCAGGAC[C>T]GTCTGAATCTAAATCAACAATTTCTGTATCCTTAATTAAAAAGGAAGAGTGGGAAAAGAC-3'
Protein context (NP_694984.5, residues 1270-1290): DTEIVDLDSD[Gly1280Ser]PGTSSGRKVK

ClinVar aggregate classification (germline): Uncertain significance (1 of 4 stars; one submission).

gnomAD v4.1: 2 of 1,202,274 alleles (0.00017%); highest among the groups gnomAD compares: Non-Finnish European, 0.00023%; no homozygotes.

Submission:

Labcorp Genetics (formerly Invitae), Labcorp
Classification: Uncertain significance. Last evaluated: 2024-09-02. Review status: criteria provided, single submitter. Criteria: Invitae Variant Classification Sherloc (09022015). Collection method: clinical testing. Allele origin: germline.
Comment: This sequence change replaces glycine, which is neutral and non-polar, with serine, which is neutral and polar, at codon 1280 of the BRWD3 protein (p.Gly1280Ser). This variant is not present in population databases (gnomAD no frequency). This variant has not been reported in the literature in individuals affected with BRWD3-related conditions. Invitae Evidence Modeling of protein sequence and biophysical properties (such as structural, functional, and spatial information, amino acid conservation, physicochemical variation, residue mobility, and thermodynamic stability) indicates that this missense variant is not expected to disrupt BRWD3 protein function with a negative predictive value of 80%. In summary, the available evidence is currently insufficient to determine the role of this variant in disease. Therefore, it has been classified as a Variant of Uncertain Significance.